The following is an entry in ClinVar:

ClinVar aggregate classification (germline): Benign/Likely benign. Review status: criteria provided, multiple submitters, no conflicts (2 of 4 stars). 9 submissions from 9 submitters: Benign (1); Likely benign (7). 1 of the submissions does not count toward it. Last evaluated 2026-01-26.

Conditions:
Hereditary cancer-predisposing syndrome. Also called: Hereditary neoplastic syndrome; Neoplastic Syndromes, Hereditary; Tumor predisposition; Hereditary Cancer Syndrome. Identifiers: Orphanet 140162, MedGen C0027672, MeSH D009386, MONDO:0015356.
APC-related disorder. Also called: APC-related condition.
Familial adenomatous polyposis 1 (FAP1). Also called: POLYPOSIS, ADENOMATOUS INTESTINAL; FAMILIAL ADENOMATOUS POLYPOSIS 1, ATTENUATED. Identifiers: MedGen C2713442, MONDO:0021056, OMIM 175100. Disease mechanism: loss of function.
Classic or attenuated familial adenomatous polyposis. Identifiers: MedGen CN372698, MONDO:0021057.

Allele frequency attached by ClinVar (database versions not stated): gnomAD exomes below 0.00001; ExAC 0.00001; gnomAD 0.00001 and 0.00002; TOPMed 0.00002; 1000 Genomes Project 0.00020; 1000 Genomes Project 30x 0.00031.
gnomAD v4.1: 3 of 1,613,678 alleles (0.00019%); highest among the groups gnomAD compares: African/African-American, 0.004%; no homozygotes.

Submissions (9):

Labcorp Genetics (formerly Invitae), Labcorp
Classification: Likely benign for Familial adenomatous polyposis 1. Last evaluated: 2026-01-26. Review status: criteria provided, single submitter. Criteria: Invitae Variant Classification Sherloc (09022015). Collection method: clinical testing. Allele origin: germline.

Center for Genomic Medicine, Rigshospitalet, Copenhagen University Hospital
Classification: Likely benign. Last evaluated: 2025-03-04. Review status: criteria provided, single submitter. Criteria: ACMG Guidelines, 2015. Collection method: clinical testing. Allele origin: germline.

Myriad Genetics, Inc.
Classification: Benign for Familial adenomatous polyposis 1. Last evaluated: 2024-04-09. Review status: criteria provided, single submitter. Criteria: Myriad Autosomal Dominant, Autosomal Recessive and X-Linked Classification Criteria (2023). Collection method: clinical testing. Allele origin: unknown.
Comment: This variant is considered benign. This variant is a silent/synonymous amino acid change and it is not expected to impact splicing.

All of Us Research Program, National Institutes of Health
Classification: Likely benign for Classic or attenuated familial adenomatous polyposis. Last evaluated: 2023-08-15. Review status: criteria provided, single submitter. Criteria: ACMG Guidelines, 2015. Collection method: clinical testing. Allele origin: germline. Inheritance: Autosomal dominant inheritance. Observed: 1 variant allele, 1 heterozygote.
Comment: This study involves interpretation of variants in research participants for the purpose of population health screening. Participant phenotype was not available at the time of variant classification. Additional details can be found in publication PMID: 35346344, PMCID: PMC8962531

Color Diagnostics, LLC DBA Color Health
Classification: Likely benign for Hereditary cancer-predisposing syndrome. Last evaluated: 2023-07-21. Review status: criteria provided, single submitter. Criteria: ACMG Guidelines, 2015. Collection method: clinical testing. Allele origin: germline.

Quest Diagnostics Nichols Institute San Juan Capistrano
Classification: Likely benign. Last evaluated: 2018-05-02. Review status: criteria provided, single submitter. Criteria: Quest Diagnostics criteria. Collection method: clinical testing. Allele origin: germline.

Ambry Genetics
Classification: Likely benign for Hereditary cancer-predisposing syndrome. Last evaluated: 2017-09-30. Review status: criteria provided, single submitter. Criteria: Ambry Variant Classification Scheme 2023. Collection method: clinical testing. Allele origin: germline.

GeneDx
Classification: Likely benign. Last evaluated: 2017-02-10. Review status: criteria provided, single submitter. Criteria: GeneDx Variant Classification (06012015). Collection method: clinical testing. Allele origin: germline. Affected: yes.
Comment: This variant is considered likely benign or benign based on one or more of the following criteria: it is a conservative change, it occurs at a poorly conserved position in the protein, it is predicted to be benign by multiple in silico algorithms, and/or has population frequency not consistent with disease.

PreventionGenetics, part of Exact Sciences
Classification: Likely benign for APC-related condition. Last evaluated: 2022-09-21. Review status: no assertion criteria provided. Collection method: clinical testing. Allele origin: germline. Not counted in ClinVar's aggregate classification.
Comment: This variant is classified as likely benign based on ACMG/AMP sequence variant interpretation guidelines (Richards et al. 2015 PMID: 25741868, with internal and published modifications).

NM_000038.6(APC):c.7194C>T (p.Ser2398=)

Gene: APC (APC regulator of Wnt signaling pathway; plus strand). Cytogenetic location: 5q22.2.
Variant type: single nucleotide variant.
Coding change: c.7194C>T on transcript NM_000038.6 (MANE Select); coding-DNA position 7194, C replaced by T.
Protein change: p.Ser2398=; no amino-acid change (serine 2398 retained).
Molecular consequence: synonymous variant.
Genome position (GRCh38, 1-based): chr5:112,842,788, C>T. VCF-style: chr5-112842788-C-T. GRCh37 (hg19) VCF-style: chr5-112178485-C-T.
Other names: c.7194C>T, p.Ser2398= (NM_001127510.3, NM_001354895.2); c.7140C>T, p.Ser2380= (NM_001127511.3); c.7248C>T, p.Ser2416= (NM_001354896.2); c.7224C>T, p.Ser2408= (NM_001354897.2); c.7119C>T, p.Ser2373= (NM_001354898.2); c.7110C>T, p.Ser2370= (NM_001354899.2); c.7071C>T, p.Ser2357= (NM_001354900.2); c.7017C>T, p.Ser2339= (NM_001354901.2); and 5 more.
Identifiers: ClinVar variation 215570 (VCV000215570.21), dbSNP rs565688379, ClinGen allele CA047178.